The following is an entry in ClinVar:

ClinVar aggregate classification (germline): Conflicting classifications of pathogenicity. Review status: criteria provided, conflicting classifications (1 of 4 stars). 5 submissions from 5 submitters: Uncertain significance (2); Likely benign (3). Last evaluated 2026-06-04.

Conditions:
3M syndrome 2. Also called: 3-M Syndrome, OBSL1-Related; THREE M SYNDROME 2. Identifiers: Orphanet 2616, MedGen C2752041, MONDO:0013039, OMIM 612921.

Allele frequency attached by ClinVar (database versions not stated): 1000 Genomes Project 30x 0.00047; 1000 Genomes Project 0.00060; ExAC 0.00135; gnomAD exomes 0.00139 and 0.00263; gnomAD 0.00151 and 0.00155; TOPMed 0.00151; ESP Exome Variant Server 0.00227.

Submissions (5):

Women's Health and Genetics/Laboratory Corporation of America, LabCorp
Classification: Likely benign. Last evaluated: 2026-06-04. Review status: criteria provided, single submitter. Criteria: LabCorp Variant Classification Summary - May 2015. Collection method: clinical testing. Allele origin: germline.
Comment: Variant summary: OBSL1 c.1255C>T (p.Arg419Cys) results in a non-conservative amino acid change located in the Immunoglobulin subtype 2 domain (IPR003598) of the encoded protein sequence. Algorithms developed to predict the effect of missense changes on protein structure and function are either unavailable or do not agree on the potential impact of this missense change. The variant allele was found at a frequency of 0.0014 in 247370 control chromosomes, predominantly at a frequency of 0.0026 within the Non-Finnish European subpopulation in the gnomAD database. The observed variant frequency within Non-Finnish European control individuals in the gnomAD database exceeds the estimated maximal expected allele frequency for disease-causing variants in OBSL1. c.1255C>T has been reported in the literature in settings of whole exome sequencing, however, not in association with a Three M syndrome phenotype (e.g. Allred_2023, Iglesias_2021). These reports do not provide unequivocal conclusions about association of the variant with Three M Syndrome 2. To our knowledge, no experimental evidence demonstrating an impact on protein function has been reported. The following publications have been ascertained in the context of this evaluation (PMID: 36999085, 33919104). ClinVar contains an entry for this variant (Variation ID: 334524). Based on the evidence outlined above, the variant was classified as likely benign.

Labcorp Genetics (formerly Invitae), Labcorp
Classification: Likely benign. Last evaluated: 2026-01-28. Review status: criteria provided, single submitter. Criteria: Invitae Variant Classification Sherloc (09022015). Collection method: clinical testing. Allele origin: germline.

CeGaT Center for Human Genetics Tuebingen
Classification: Likely benign. Last evaluated: 2025-12-01. Review status: criteria provided, single submitter. Criteria: CeGaT Center For Human Genetics Tuebingen Variant Classification Criteria Version 2. Collection method: clinical testing. Allele origin: germline. Affected: yes. Observed: 5 variant alleles.
Comment: OBSL1: BS2

Blueprint Genetics
Classification: Uncertain significance. Last evaluated: 2024-11-26. Review status: criteria provided, single submitter. Criteria: ACMG Guidelines, 2015. Collection method: clinical testing. Allele origin: germline.

Illumina Laboratory Services, Illumina
Classification: Uncertain significance for 3M syndrome 2. Last evaluated: 2018-01-13. Review status: criteria provided, single submitter. Criteria: ICSL Variant Classification Criteria 13 December 2019. Collection method: clinical testing. Allele origin: germline.

Literature cited by the submitters: PubMed 33919104 (cited by Women's Health and Genetics/Laboratory Corporation of America, LabCorp); PubMed 36999085 (cited by Women's Health and Genetics/Laboratory Corporation of America, LabCorp).

NM_015311.3(OBSL1):c.1255C>T (p.Arg419Cys)

Gene: OBSL1 (obscurin like cytoskeletal adaptor 1; minus strand). Cytogenetic location: 2q35.
Variant type: single nucleotide variant.
Coding change: c.1255C>T on transcript NM_015311.3 (MANE Select); coding-DNA position 1255, C replaced by T.
Protein change: p.Arg419Cys; replaces arginine 419 with cysteine.
Molecular consequence: missense variant.
Genome position (GRCh38, 1-based): chr2:219,568,082, G>A on the plus strand (C>T on the coding strand, the complement: OBSL1 is on the minus strand). VCF-style: chr2-219568082-G-A. GRCh37 (hg19) VCF-style: chr2-220432804-G-A.
Other names: c.1255C>T, p.Arg419Cys (NM_001173408.2, NM_001173431.2); short protein forms R419C.
Identifiers: ClinVar variation 334524 (VCV000334524.58), dbSNP rs79295927, ClinGen allele CA2131596.